The following is an entry in ClinVar:

ClinVar aggregate classification (germline): Uncertain significance (1 of 4 stars; one submission).

Allele frequency attached by ClinVar (database versions not stated): gnomAD exomes below 0.00001; ExAC 0.00001.
gnomAD v4.1: 1 of 1,614,084 alleles (0.000062%); highest among the groups gnomAD compares: Admixed American, 0.0017%; no homozygotes.

Submission:

Labcorp Genetics (formerly Invitae), Labcorp
Classification: Uncertain significance. Last evaluated: 2023-11-18. Review status: criteria provided, single submitter. Criteria: Invitae Variant Classification Sherloc (09022015). Collection method: clinical testing. Allele origin: germline.
Comment: This sequence change replaces phenylalanine, which is neutral and non-polar, with leucine, which is neutral and non-polar, at codon 1774 of the SCN3A protein (p.Phe1774Leu). This variant is present in population databases (rs776441801, gnomAD 0.003%). This variant has not been reported in the literature in individuals affected with SCN3A-related conditions. Advanced modeling of protein sequence and biophysical properties (such as structural, functional, and spatial information, amino acid conservation, physicochemical variation, residue mobility, and thermodynamic stability) performed at Invitae indicates that this missense variant is expected to disrupt SCN3A protein function with a positive predictive value of 80%. In summary, the available evidence is currently insufficient to determine the role of this variant in disease. Therefore, it has been classified as a Variant of Uncertain Significance.

NM_006922.4(SCN3A):c.5320T>C (p.Phe1774Leu)

Gene: SCN3A (sodium voltage-gated channel alpha subunit 3; minus strand). Cytogenetic location: 2q24.3.
Variant type: single nucleotide variant.
Coding change: c.5320T>C on transcript NM_006922.4 (MANE Select); coding-DNA position 5320, T replaced by C.
Protein change: p.Phe1774Leu; replaces phenylalanine 1774 with leucine.
Molecular consequence: missense variant.
Genome position (GRCh38, 1-based): chr2:165,090,833, A>G on the plus strand (T>C on the coding strand, the complement: SCN3A is on the minus strand). VCF-style: chr2-165090833-A-G. GRCh37 (hg19) VCF-style: chr2-165947343-A-G.
Other names: c.5173T>C, p.Phe1725Leu (NM_001081676.2, NM_001081677.2); short protein forms F1774L, F1725L.
Identifiers: ClinVar variation 2819942 (VCV002819942.3), dbSNP rs776441801, ClinGen allele CA1938416.
Genomic context (GRCh38, chr2:165,090,833, plus strand): 5'-AGAACATCTCAAAGTCATCCTCACTCAGGGGCTCTGCACTTTCTTCAGTAGCAACACTGA[A>G]GTTCTCCAGGATGACCGCGATGTACATGTTCACCACAACCAGGAAGGATATGATGATGTA-3'
Protein context (NP_008853.3, residues 1764-1784): NMYIAVILEN[Phe1774Leu]SVATEESAEP